The following is an entry in ClinVar:

ClinVar aggregate classification (germline): Uncertain significance. Review status: criteria provided, multiple submitters, no conflicts (2 of 4 stars). 3 submissions from 3 submitters: Uncertain significance (3). Last evaluated 2024-01-29.

gnomAD v4.1: 1 of 1,609,524 alleles (0.000062%); highest among the groups gnomAD compares: Non-Finnish European, 0.000085%; no homozygotes.

Submissions (3):

Blueprint Genetics
Classification: Uncertain significance. Last evaluated: 2024-01-29. Review status: criteria provided, single submitter. Criteria: ACMG Guidelines, 2015. Collection method: clinical testing. Allele origin: germline.

Ambry Genetics
Classification: Uncertain significance. Last evaluated: 2022-01-26. Review status: criteria provided, single submitter. Criteria: Ambry Variant Classification Scheme 2023. Collection method: clinical testing. Allele origin: germline.

Labcorp Genetics (formerly Invitae), Labcorp
Classification: Uncertain significance. Last evaluated: 2021-10-17. Review status: criteria provided, single submitter. Criteria: Invitae Variant Classification Sherloc (09022015). Collection method: clinical testing. Allele origin: germline.
Comment: This sequence change replaces arginine with serine at codon 888 of the SBF1 protein (p.Arg888Ser). The arginine residue is weakly conserved and there is a moderate physicochemical difference between arginine and serine. This variant is not present in population databases (ExAC no frequency). This variant has not been reported in the literature in individuals affected with SBF1-related conditions. Algorithms developed to predict the effect of missense changes on protein structure and function output the following: SIFT: "Tolerated"; PolyPhen-2: "Benign"; Align-GVGD: "Class C0". The serine amino acid residue is found in multiple mammalian species, which suggests that this missense change does not adversely affect protein function. In summary, the available evidence is currently insufficient to determine the role of this variant in disease. Therefore, it has been classified as a Variant of Uncertain Significance.

NM_002972.4(SBF1):c.2662C>A (p.Arg888Ser)

Gene: SBF1 (SET binding factor 1; minus strand). Cytogenetic location: 22q13.33.
Variant type: single nucleotide variant.
Coding change: c.2662C>A on transcript NM_002972.4 (MANE Select); coding-DNA position 2662, C replaced by A.
Protein change: p.Arg888Ser; replaces arginine 888 with serine.
Molecular consequence: missense variant.
Genome position (GRCh38, 1-based): chr22:50,461,700, G>T on the plus strand (C>A on the coding strand, the complement: SBF1 is on the minus strand). VCF-style: chr22-50461700-G-T. GRCh37 (hg19) VCF-style: chr22-50900129-G-T.
Other names: c.2665C>A, p.Arg889Ser (NM_001365819.1); c.2662C>A (NM_002972.2); short protein forms R889S, R888S.
Identifiers: ClinVar variation 1442153 (VCV001442153.8), dbSNP rs770341256, ClinGen allele CA412208596.